The following is an entry in ClinVar:

NM_000038.6(APC):c.184del (p.Ser62fs)

Gene: APC (APC regulator of Wnt signaling pathway; plus strand). Cytogenetic location: 5q22.2.
Variant type: Deletion.
Coding change: c.184del on transcript NM_000038.6 (MANE Select); coding-DNA position 184, one base deleted (T; older notation c.184delT).
Protein change: p.Ser62fs; shifts the reading frame from serine 62.
Molecular consequence: frameshift variant. On other transcripts: 5 prime UTR variant (4), non-coding transcript variant (2).
Genome position (GRCh38, 1-based): chr5:112,766,374, T deleted; the last of 2 consecutive T bases (chr5:112,766,373-112,766,374); deleting either gives the same sequence. VCF-style (leftmost placement, unchanged base first): chr5-112766372-CT-C. GRCh37 (hg19) VCF-style: chr5-112102069-CT-C.
Other names: c.184del, p.Ser62fs (NM_001127510.3, NM_001354895.2, NM_001354896.2 and 16 more transcripts); c.214del, p.Ser72fs (NM_001127511.3, NM_001354897.2, NM_001354902.2 and 1 more transcripts); c.109del, p.Ser37fs (NM_001354898.2, NM_001354904.2, NM_001407451.1); c.7del, p.Ser3fs (NM_001354900.2, NM_001354901.2, NM_001354905.2 and 1 more transcripts); c.-852del (NM_001354906.2, NM_001407470.1, NM_001407471.1 and 1 more transcripts); short protein forms S37fs, S3fs, S62fs, S72fs.
Identifiers: ClinVar variation 2584041 (VCV002584041.1), dbSNP rs2532273182, ClinGen allele CA2582341294.
Genomic context (GRCh38, chr5:112,766,372, plus strand): 5'-GTTCTTTTTAACAGGAAGTACTTAAACAACTACAAGGAAGTATTGAAGATGAAGCTATGG[CT>C]TCTTCTGGACAGATTGATTTATTAGAGCGTCTTAAAGGTAGATTTTAAAAAGGTGTTTTA-3'

ClinVar aggregate classification (germline): Pathogenic (1 of 4 stars; one submission).

Conditions:
Familial adenomatous polyposis 1 (FAP1). Also called: FAMILIAL ADENOMATOUS POLYPOSIS 1, ATTENUATED; POLYPOSIS, ADENOMATOUS INTESTINAL. Identifiers: MedGen C2713442, MONDO:0021056, OMIM 175100. Disease mechanism: loss of function.

Submission:

Myriad Genetics, Inc.
Classification: Pathogenic for Familial adenomatous polyposis 1. Last evaluated: 2023-04-24. Review status: criteria provided, single submitter. Criteria: Myriad Autosomal Dominant, Autosomal Recessive and X-Linked Classification Criteria (2023). Collection method: clinical testing. Allele origin: unknown.
Comment: This variant is considered pathogenic. This variant creates a frameshift predicted to result in premature protein truncation.